The following is an entry in ClinVar:

NM_000255.4(MMUT):c.691T>A (p.Tyr231Asn)

Gene: MMUT (methylmalonyl-CoA mutase; minus strand). Cytogenetic location: 6p12.3.
Variant type: single nucleotide variant.
Coding change: c.691T>A on transcript NM_000255.4 (MANE Select); coding-DNA position 691, T replaced by A.
Protein change: p.Tyr231Asn; replaces tyrosine 231 with asparagine.
Molecular consequence: missense variant.
Genome position (GRCh38, 1-based): chr6:49,457,753, A>T on the plus strand (T>A on the coding strand, the complement: MMUT is on the minus strand). VCF-style: chr6-49457753-A-T. GRCh37 (hg19) VCF-style: chr6-49425466-A-T.
Other names: short protein forms Y231N.
Identifiers: ClinVar variation 218992 (VCV000218992.10), dbSNP rs864309736, ClinGen allele CA347881.
Genomic context (GRCh38, chr6:49,457,753, plus strand): 5'-TTGCTGTATATTCAAATATGTCAGCAATAATTTTCATGGATGGTTCTGGAGGAAAAATGT[A>T]TGTATTTCGAACCATAAATTCCTTTAGTATATCATTTTGGATGGTACCAGTAAGCTTCTC-3'
Protein context (NP_000246.2, residues 221-241): ILKEFMVRNT[Tyr231Asn]IFPPEPSMKI

ClinVar aggregate classification (germline): Likely pathogenic. Review status: criteria provided, single submitter (1 of 4 stars). 2 submissions from 2 submitters: Likely pathogenic (1). 1 of the submissions does not count toward it. Last evaluated 2021-05-17.

Conditions:
Methylmalonic aciduria due to methylmalonyl-CoA mutase deficiency (MAMM). Also called: Methylmalonic aciduria, mut type. Identifiers: Orphanet 27, MedGen C1855114, MONDO:0009612, OMIM 251000.

Allele frequency attached by ClinVar (database versions not stated): gnomAD exomes below 0.00001; TOPMed below 0.00001; gnomAD 0.00001.
gnomAD v4.1: 3 of 1,611,784 alleles (0.00019%); highest among the groups gnomAD compares: Non-Finnish European, 0.00025%; no homozygotes.

Submissions (2):

Labcorp Genetics (formerly Invitae), Labcorp
Classification: Likely pathogenic. Last evaluated: 2021-05-17. Review status: criteria provided, single submitter. Criteria: Invitae Variant Classification Sherloc (09022015). Collection method: clinical testing. Allele origin: germline.
Comment: In summary, the currently available evidence indicates that the variant is pathogenic, but additional data are needed to prove that conclusively. Therefore, this variant has been classified as Likely Pathogenic. Experimental studies have shown that this variant affects MUT protein function (PMID: 25125334, 9285782). This variant has been observed in individual(s) with methylmalonic acidemia due to methylmalonyl-CoA mutase deficiency (PMID: 17957493, 17113806). In at least one individual the data is consistent with the variant being in trans (on the opposite chromosome) from a pathogenic variant. ClinVar contains an entry for this variant (Variation ID: 218992). This variant is not present in population databases (ExAC no frequency). This sequence change replaces tyrosine with asparagine at codon 231 of the MUT protein (p.Tyr231Asn). The tyrosine residue is highly conserved and there is a large physicochemical difference between tyrosine and asparagine.

GeneReviews
No classification provided. Condition: Methylmalonic aciduria due to methylmalonyl-CoA mutase deficiency. Review status: no classification provided. Collection method: literature only. Allele origin: germline. Affected: yes. Not counted in ClinVar's aggregate classification.
Comment: mut¯ enzymatic subtype

Literature cited by the submitters: PubMed 25125334 (cited by Labcorp Genetics (formerly Invitae), Labcorp); PubMed 9285782 (cited by Labcorp Genetics (formerly Invitae), Labcorp); PubMed 17957493 (cited by Labcorp Genetics (formerly Invitae), Labcorp); PubMed 17113806 (cited by Labcorp Genetics (formerly Invitae), Labcorp); NCBI Bookshelf NBK1231 (cited by GeneReviews).